The following is an entry in ClinVar:

ClinVar aggregate classification (germline): Likely benign (1 of 4 stars; one submission).

Allele frequency attached by ClinVar (database versions not stated): gnomAD exomes 0.00006; TOPMed 0.00006; gnomAD 0.00011; ExAC 0.00012.
gnomAD v4.1: 105 of 1,613,782 alleles (0.0065%); highest among the groups gnomAD compares: Admixed American, 0.015%; no homozygotes.

Submission:

CeGaT Center for Human Genetics Tuebingen
Classification: Likely benign. Last evaluated: 2023-05-01. Review status: criteria provided, single submitter. Criteria: CeGaT Center For Human Genetics Tuebingen Variant Classification Criteria Version 2. Collection method: clinical testing. Allele origin: germline. Affected: yes. Observed: 1 variant allele.
Comment: VGLL3: BP4, BP7

NM_016206.4(VGLL3):c.225A>G (p.Lys75=)

Gene: VGLL3 (vestigial like family member 3; minus strand). Cytogenetic location: 3p12.1.
Variant type: single nucleotide variant.
Coding change: c.225A>G on transcript NM_016206.4 (MANE Select); coding-DNA position 225, A replaced by G.
Protein change: p.Lys75=; no amino-acid change (lysine 75 retained).
Molecular consequence: synonymous variant. On other transcripts: intron variant (1).
Genome position (GRCh38, 1-based): chr3:86,978,704, T>C on the plus strand (A>G on the coding strand, the complement: VGLL3 is on the minus strand). VCF-style: chr3-86978704-T-C. GRCh37 (hg19) VCF-style: chr3-87027854-T-C.
Other names: c.225A>G, p.Lys75= (NM_001320493.2); c.127-61A>G (NM_001320494.2).
Identifiers: ClinVar variation 2653985 (VCV002653985.24), dbSNP rs772834136, ClinGen allele CA2500742.
Genomic context (GRCh38, chr3:86,978,704, plus strand): 5'-CTGGAAATAAGTGAAAAGGACACAGCGAGAGTTAAGGTACTCCATCTCGGCAGGCTGGTC[T>C]TTCTCCTCCTCCTCCTCCTCCTCATCCTCCTCCTCTTGTTTGCTGGGAAGGGTGACTTCC-3'
Protein context (NP_057290.2, residues 65-85): EEDEEEEEEE[Lys75=]DQPAEMEYLN